The following is an entry in ClinVar:

NM_004453.4(ETFDH):c.1388G>A (p.Gly463Asp)

Gene: ETFDH (electron transfer flavoprotein dehydrogenase; plus strand). Cytogenetic location: 4q32.1.
Variant type: single nucleotide variant.
Coding change: c.1388G>A on transcript NM_004453.4 (MANE Select); coding-DNA position 1388, G replaced by A.
Protein change: p.Gly463Asp; replaces glycine 463 with aspartic acid.
Molecular consequence: missense variant.
Genome position (GRCh38, 1-based): chr4:158,706,291, G>A. VCF-style: chr4-158706291-G-A. GRCh37 (hg19) VCF-style: chr4-159627443-G-A.
Other names: c.1247G>A, p.Gly416Asp (NM_001281737.2); c.1205G>A, p.Gly402Asp (NM_001281738.1); short protein forms G463D, G402D, G416D.
Identifiers: ClinVar variation 591824 (VCV000591824.6), dbSNP rs1561251388, ClinGen allele CA358564115.

ClinVar aggregate classification (germline): Conflicting classifications of pathogenicity. Review status: criteria provided, conflicting classifications (1 of 4 stars). 5 submissions from 5 submitters: Likely pathogenic (1); Uncertain significance (3). 1 of the submissions does not count toward it. Last evaluated 2024-08-16.

Conditions:
Multiple acyl-CoA dehydrogenase deficiency (MADD). Also called: Glutaric aciduria, type 2; Glutaric acidemia type II; GA 2; Glutaric Acidemia type 2; ETHYLMALONIC-ADIPICACIDURIA; GA II. Identifiers: Orphanet 26791, MedGen C0268596, MONDO:0009282, OMIM 231680.

Allele frequency attached by ClinVar (database versions not stated): gnomAD exomes below 0.00001.
gnomAD v4.1: 1 of 1,612,570 alleles (0.000062%); highest among the groups gnomAD compares: South Asian, 0.0011%; no homozygotes.

Submissions (5):

Laboratorio de Genetica e Diagnostico Molecular, Hospital Israelita Albert Einstein
Classification: Uncertain significance for Multiple acyl-CoA dehydrogenase deficiency. Last evaluated: 2024-08-16. Review status: criteria provided, single submitter. Criteria: ACMG Guidelines, 2015. Collection method: clinical testing. Allele origin: germline. Affected: yes.
Comment: ACMG classification criteria: PM2 supporting, PP3 supporting

3billion
Classification: Uncertain significance for Multiple acyl-CoA dehydrogenase deficiency. Last evaluated: 2022-09-01. Review status: criteria provided, single submitter. Criteria: ACMG Guidelines, 2015. Collection method: clinical testing. Allele origin: germline. Affected: yes. Observed: 1 heterozygote.
Comment: The variant is not observed in the gnomAD v2.1.1 dataset. In silico tool predictions suggest damaging effect of the variant on gene or gene product (REVEL: 0.94; 3Cnet: 0.94). Same nucleotide change resulting in same amino acid change (ClinVar ID: VCV000591824 ) and a different missense change at the same codon (p.Gly463Arg / PMID: 32793418 ) have been previously reported to be associated with ETFDH-related disorder. However the evidence of pathogenicity is insufficient at this time. Therefore, this variant is classified as uncertain significance according to the recommendation of ACMG/AMP guideline.

Labcorp Genetics (formerly Invitae), Labcorp
Classification: Uncertain significance for Multiple acyl-CoA dehydrogenase deficiency. Last evaluated: 2022-03-21. Review status: criteria provided, single submitter. Criteria: Invitae Variant Classification Sherloc (09022015). Collection method: clinical testing. Allele origin: germline.
Comment: This sequence change replaces glycine, which is neutral and non-polar, with aspartic acid, which is acidic and polar, at codon 463 of the ETFDH protein (p.Gly463Asp). This variant is not present in population databases (gnomAD no frequency). This variant has not been reported in the literature in individuals affected with ETFDH-related conditions. ClinVar contains an entry for this variant (Variation ID: 591824). Advanced modeling of protein sequence and biophysical properties (such as structural, functional, and spatial information, amino acid conservation, physicochemical variation, residue mobility, and thermodynamic stability) performed at Invitae indicates that this missense variant is expected to disrupt ETFDH protein function. In summary, the available evidence is currently insufficient to determine the role of this variant in disease. Therefore, it has been classified as a Variant of Uncertain Significance.

Mendelics
Classification: Likely pathogenic for Multiple acyl-CoA dehydrogenase deficiency. Last evaluated: 2019-05-28. Review status: criteria provided, single submitter. Criteria: Mendelics Assertion Criteria 2017. Collection method: clinical testing. Allele origin: unknown.

Gharavi Laboratory, Columbia University
Classification: Uncertain significance. Last evaluated: 2018-09-16. Review status: no assertion criteria provided. Criteria: ACMG Guidelines, 2015. Collection method: research. Allele origin: germline. Affected: yes. Not counted in ClinVar's aggregate classification.

Literature cited by the submitters: PubMed 32793418 (cited by 3billion).